The following is an entry in ClinVar:

ClinVar aggregate classification (germline): Likely benign (0 of 4 stars; one submission).

Conditions:
EEF1D-related disorder. Also called: EEF1D-related condition.

Allele frequency attached by ClinVar (database versions not stated): ExAC 0.00001; gnomAD 0.00001; TOPMed 0.00001; gnomAD exomes 0.00002.
gnomAD v4.1: 34 of 1,599,166 alleles (0.0021%); highest among the groups gnomAD compares: Middle Eastern, 0.016%; 1 homozygote.

Submission:

PreventionGenetics, part of Exact Sciences
Classification: Likely benign for EEF1D-related condition. Last evaluated: 2019-09-05. Review status: no assertion criteria provided. Collection method: clinical testing. Allele origin: germline.
Comment: This variant is classified as likely benign based on ACMG/AMP sequence variant interpretation guidelines (Richards et al. 2015 PMID: 25741868, with internal and published modifications).

NM_001130053.5(EEF1D):c.105G>A (p.Ala35=)

Gene: EEF1D (eukaryotic translation elongation factor 1 delta; minus strand). Cytogenetic location: 8q24.3.
Variant type: single nucleotide variant.
Coding change: c.105G>A on transcript NM_001130053.5 (MANE Select); coding-DNA position 105, G replaced by A.
Protein change: p.Ala35=; no amino-acid change (alanine 35 retained).
Molecular consequence: synonymous variant. On other transcripts: intron variant (8).
Genome position (GRCh38, 1-based): chr8:143,589,977, C>T on the plus strand (G>A on the coding strand, the complement: EEF1D is on the minus strand). VCF-style: chr8-143589977-C-T. GRCh37 (hg19) VCF-style: chr8-144672147-C-T.
Other names: c.105G>A, p.Ala35= (NM_032378.7); c.-4-3128G>A (NM_001317743.4, NM_001289950.4, NM_001130055.4); c.-7-3125G>A (NM_001130056.5, NM_001195203.4, NM_001960.7 and 2 more transcripts).
Identifiers: ClinVar variation 3053384 (VCV003053384.2), dbSNP rs777359937, ClinGen allele CA4913951.